The following is an entry in ClinVar:

ClinVar aggregate classification (germline): Uncertain significance (1 of 4 stars; one submission).

gnomAD v4.1: 1 of 1,613,224 alleles (0.000062%); highest among the groups gnomAD compares: Non-Finnish European, 0.000085%; no homozygotes.

Submission:

Labcorp Genetics (formerly Invitae), Labcorp
Classification: Uncertain significance. Last evaluated: 2026-01-18. Review status: criteria provided, single submitter. Criteria: Invitae Variant Classification Sherloc (09022015). Collection method: clinical testing. Allele origin: germline.
Comment: This sequence change replaces alanine, which is neutral and non-polar, with valine, which is neutral and non-polar, at codon 531 of the CLPX protein (p.Ala531Val). This variant is not present in population databases (gnomAD no frequency). This variant has not been reported in the literature in individuals affected with CLPX-related conditions. Invitae Evidence Modeling of protein sequence and biophysical properties (such as structural, functional, and spatial information, amino acid conservation, physicochemical variation, residue mobility, and thermodynamic stability) indicates that this missense variant is not expected to disrupt CLPX protein function with a negative predictive value of 80%. In summary, the available evidence is currently insufficient to determine the role of this variant in disease. Therefore, it has been classified as a Variant of Uncertain Significance.

NM_006660.5(CLPX):c.1592C>T (p.Ala531Val)

Gene: CLPX (caseinolytic mitochondrial matrix peptidase chaperone subunit X; minus strand). Cytogenetic location: 15q22.31.
Variant type: single nucleotide variant.
Coding change: c.1592C>T on transcript NM_006660.5 (MANE Select); coding-DNA position 1592, C replaced by T.
Protein change: p.Ala531Val; replaces alanine 531 with valine.
Molecular consequence: missense variant. On other transcripts: non-coding transcript variant (1).
Genome position (GRCh38, 1-based): chr15:65,154,801, G>A on the plus strand (C>T on the coding strand, the complement: CLPX is on the minus strand). VCF-style: chr15-65154801-G-A. GRCh37 (hg19) VCF-style: chr15-65447139-G-A.
Other names: short protein forms A531V.
Identifiers: ClinVar variation 4742562 (VCV004742562.1).